The following is an entry in ClinVar:

ClinVar aggregate classification (germline): Uncertain significance (1 of 4 stars; one submission).

Conditions:
Inborn genetic diseases. Identifiers: MedGen C0950123, MeSH D030342.

gnomAD v4.1: 1 of 1,614,078 alleles (0.000062%); highest among the groups gnomAD compares: Non-Finnish European, 0.000085%; no homozygotes.

Submission:

Ambry Genetics
Classification: Uncertain significance for Inborn genetic diseases. Last evaluated: 2025-11-16. Review status: criteria provided, single submitter. Criteria: Ambry Variant Classification Scheme 2023. Collection method: clinical testing. Allele origin: germline.
Comment: The p.D246A variant (also known as c.737A>C), located in coding exon 6 of the HAX1 gene, results from an A to C substitution at nucleotide position 737. The aspartic acid at codon 246 is replaced by alanine, an amino acid with dissimilar properties. This amino acid position is conserved. In addition, this alteration is predicted to be tolerated by in silico analysis. Based on the available evidence, the clinical significance of this variant remains unclear.

NM_006118.4(HAX1):c.737A>C (p.Asp246Ala)

Gene: HAX1 (HCLS1 associated protein X-1; plus strand). Cytogenetic location: 1q21.3.
Variant type: single nucleotide variant.
Coding change: c.737A>C on transcript NM_006118.4 (MANE Select); coding-DNA position 737, A replaced by C.
Protein change: p.Asp246Ala; replaces aspartic acid 246 with alanine.
Molecular consequence: missense variant.
Genome position (GRCh38, 1-based): chr1:154,275,466, A>C. VCF-style: chr1-154275466-A-C. GRCh37 (hg19) VCF-style: chr1-154247942-A-C.
Other names: c.593A>C, p.Asp198Ala (NM_001018837.2); short protein forms D198A, D246A.
Identifiers: ClinVar variation 4621341 (VCV004621341.1).
Genomic context (GRCh38, chr1:154,275,466, plus strand): 5'-GCCGGACTGTGGTGGACAGTGAGGGCCGGACAGAGACTACAGTAACCCGACACGAAGCAG[A>C]TAGCAGTCCTAGGGGTGGTAAGTTAAAAGACAAAGGGGTTCATCTCAAGATTCCTTGGGG-3'
Protein context (NP_006109.2, residues 236-256): TETTVTRHEA[Asp246Ala]SSPRGDPESP